The following is an entry in ClinVar:

ClinVar aggregate classification (germline): Uncertain significance. Review status: criteria provided, multiple submitters, no conflicts (2 of 4 stars). 7 submissions from 7 submitters: Uncertain significance (7). Last evaluated 2026-03-24.

Conditions:
Hereditary nonpolyposis colorectal neoplasms. Identifiers: MedGen C0009405, MeSH D003123.
PMS2-related disorder. Also called: PMS2-related condition.
Hereditary cancer-predisposing syndrome. Also called: Neoplastic Syndromes, Hereditary; Tumor predisposition; Hereditary Cancer Syndrome; Hereditary neoplastic syndrome. Identifiers: Orphanet 140162, MedGen C0027672, MeSH D009386, MONDO:0015356.
Lynch syndrome 4 (LYNCH4). Also called: Colorectal cancer, hereditary nonpolyposis, type 4; Hereditary non-polyposis colorectal cancer, type 4. Identifiers: Orphanet 144, MedGen C1838333, MONDO:0013699, OMIM 614337. Disease mechanism: loss of function.

Allele frequency attached by ClinVar (database versions not stated): gnomAD exomes 0.00001.

Submissions (7):

PreventionGenetics, part of Exact Sciences
Classification: Uncertain significance for PMS2-related condition. Last evaluated: 2026-03-24. Review status: criteria provided, single submitter. Criteria: ACMG Guidelines, 2015. Collection method: clinical testing. Allele origin: germline.
Comment: The PMS2 c.2128G>A variant is predicted to result in the amino acid substitution p.Glu710Lys. To our knowledge, this variant has not been reported in the literature. This variant is reported in 0.0031% of alleles in individuals of Latino descent in gnomAD. This variant has an interpretation of uncertain significance in ClinVar (Variation ID: 411051). At this time, the clinical significance of this variant is uncertain due to the absence of conclusive functional and genetic evidence.

Labcorp Genetics (formerly Invitae), Labcorp
Classification: Uncertain significance for Hereditary nonpolyposis colorectal neoplasms. Last evaluated: 2025-10-12. Review status: criteria provided, single submitter. Criteria: Invitae Variant Classification Sherloc (09022015). Collection method: clinical testing. Allele origin: germline.
Comment: This sequence change replaces glutamic acid, which is acidic and polar, with lysine, which is basic and polar, at codon 710 of the PMS2 protein (p.Glu710Lys). The frequency data for this variant in the population databases (gnomAD) is considered unreliable due to the presence of homologous sequence, such as pseudogenes or paralogs, in the genome. This variant has not been reported in the literature in individuals affected with PMS2-related conditions. ClinVar contains an entry for this variant (Variation ID: 411051). Invitae Evidence Modeling incorporating data from in vitro experimental studies (internal data) indicates that this missense variant is not expected to disrupt PMS2 function with a negative predictive value of 95%. In summary, the available evidence is currently insufficient to determine the role of this variant in disease. Therefore, it has been classified as a Variant of Uncertain Significance.

Color Diagnostics, LLC DBA Color Health
Classification: Uncertain significance for Hereditary cancer-predisposing syndrome. Last evaluated: 2025-07-13. Review status: criteria provided, single submitter. Criteria: ACMG Guidelines, 2015. Collection method: clinical testing. Allele origin: germline.
Comment: This missense variant replaces glutamic acid with lysine at codon 710 of the PMS2 protein. Computational prediction suggests that this variant may have deleterious impact on protein structure and function. To our knowledge, functional studies have not been reported for this variant. This variant has not been reported in individuals affected with PMS2-related disorders in the literature. This variant has been identified in 2/233416 chromosomes in the general population by the Genome Aggregation Database (gnomAD). The available evidence is insufficient to determine the role of this variant in disease conclusively. Therefore, this variant is classified as a Variant of Uncertain Significance.

GeneDx
Classification: Uncertain significance. Last evaluated: 2025-05-13. Review status: criteria provided, single submitter. Criteria: GeneDx Variant Classification Process June 2021. Collection method: clinical testing. Allele origin: germline. Affected: yes.
Comment: Not observed at significant frequency in large population cohorts (gnomAD); In silico analysis supports that this missense variant has a deleterious effect on protein structure/function; Has not been previously published as pathogenic or benign to our knowledge; This variant is associated with the following publications: (PMID: 28878238, Fukui2011[Chapter], 18619468)

Ambry Genetics
Classification: Uncertain significance for Hereditary cancer-predisposing syndrome. Last evaluated: 2024-09-18. Review status: criteria provided, single submitter. Criteria: Ambry Variant Classification Scheme 2023. Collection method: clinical testing. Allele origin: germline.
Comment: The p.E710K variant (also known as c.2128G>A), located in coding exon 12 of the PMS2 gene, results from a G to A substitution at nucleotide position 2128. The glutamic acid at codon 710 is replaced by lysine, an amino acid with similar properties. This amino acid position is highly conserved in available vertebrate species. In addition, this alteration is predicted to be deleterious by in silico analysis. Since supporting evidence is limited at this time, the clinical significance of this alteration remains unclear.

Women's Health and Genetics/Laboratory Corporation of America, LabCorp
Classification: Uncertain significance. Last evaluated: 2022-06-09. Review status: criteria provided, single submitter. Criteria: LabCorp Variant Classification Summary - May 2015. Collection method: clinical testing. Allele origin: germline.

Baylor Genetics
Classification: Uncertain significance for Lynch syndrome 4. Last evaluated: 2022-03-17. Review status: criteria provided, single submitter. Criteria: ACMG Guidelines, 2015. Collection method: clinical testing. Allele origin: unknown.

NM_000535.7(PMS2):c.2128G>A (p.Glu710Lys)

Gene: PMS2 (PMS1 homolog 2, mismatch repair system component; minus strand). Cytogenetic location: 7p22.1.
Variant type: single nucleotide variant.
Coding change: c.2128G>A on transcript NM_000535.7 (MANE Select); coding-DNA position 2128, G replaced by A.
Protein change: p.Glu710Lys; replaces glutamic acid 710 with lysine.
Molecular consequence: missense variant. On other transcripts: non-coding transcript variant (1).
Genome position (GRCh38, 1-based): chr7:5,982,870, C>T on the plus strand (G>A on the coding strand, the complement: PMS2 is on the minus strand). VCF-style: chr7-5982870-C-T. GRCh37 (hg19) VCF-style: chr7-6022501-C-T.
Other names: c.1723G>A, p.Glu575Lys (NM_001322003.2, NM_001322004.2, NM_001322005.2 and 1 more transcripts); c.1972G>A, p.Glu658Lys (NM_001322006.2); c.1810G>A, p.Glu604Lys (NM_001322007.2, NM_001322008.2); c.1567G>A, p.Glu523Lys (NM_001322010.2); c.1195G>A, p.Glu399Lys (NM_001322011.2, NM_001322012.2); c.1555G>A, p.Glu519Lys (NM_001322013.2); c.2128G>A, p.Glu710Lys (NM_001322014.2); c.1819G>A, p.Glu607Lys (NM_001322015.2); short protein forms E710K, E523K, E607K, E658K, E399K, E604K, E519K, E575K.
Identifiers: ClinVar variation 411051 (VCV000411051.19), dbSNP rs1060503131, ClinGen allele CA16612384.
Genomic context (GRCh38, chr7:5,982,870, plus strand): 5'-CTAAACACACTCACGCTATGAGCCTCTGCCCCTGGAGCACGGTGTGCTGCTGCAGCATCT[C>T]GAAGTTATACTTCTCGTCCGTGGCATGCTGGTCCACTATGAAGATATCCTCATTCAGTTT-3'
Protein context (NP_000526.2, residues 700-720): QHATDEKYNF[Glu710Lys]MLQQHTVLQG